The following is an entry in ClinVar:

NM_206933.4(USH2A):c.9259-3C>A

Gene: USH2A (usherin; minus strand). Cytogenetic location: 1q41.
Variant type: single nucleotide variant.
Coding change: c.9259-3C>A on transcript NM_206933.4 (MANE Select); 3 bases into the intron before coding-DNA position 9259, C replaced by A.
Molecular consequence: intron variant.
Genome position (GRCh38, 1-based): chr1:215,838,106, G>T on the plus strand (C>A on the coding strand, the complement: USH2A is on the minus strand). VCF-style: chr1-215838106-G-T. GRCh37 (hg19) VCF-style: chr1-216011448-G-T.
Identifiers: ClinVar variation 1363625 (VCV001363625.6), dbSNP rs2102816699, ClinGen allele CA2573131595.

ClinVar aggregate classification (germline): Uncertain significance (1 of 4 stars; one submission).

Submission:

Labcorp Genetics (formerly Invitae), Labcorp
Classification: Uncertain significance. Last evaluated: 2022-08-09. Review status: criteria provided, single submitter. Criteria: Invitae Variant Classification Sherloc (09022015). Collection method: clinical testing. Allele origin: germline.
Comment: This variant is not present in population databases (gnomAD no frequency). This variant has not been reported in the literature in individuals affected with USH2A-related conditions. ClinVar contains an entry for this variant (Variation ID: 1363625). Variants that disrupt the consensus splice site are a relatively common cause of aberrant splicing (PMID: 17576681, 9536098). Algorithms developed to predict the effect of sequence changes on RNA splicing suggest that this variant may disrupt the consensus splice site. In summary, the available evidence is currently insufficient to determine the role of this variant in disease. Therefore, it has been classified as a Variant of Uncertain Significance. This sequence change falls in intron 46 of the USH2A gene. It does not directly change the encoded amino acid sequence of the USH2A protein. It affects a nucleotide within the consensus splice site.

Literature cited by the submitters: PubMed 17576681; PubMed 9536098.